The following is an entry in ClinVar:

NM_000548.5(TSC2):c.4463A>C (p.Asn1488Thr)

Gene: TSC2 (TSC complex subunit 2; plus strand). Cytogenetic location: 16p13.3.
Variant type: single nucleotide variant.
Coding change: c.4463A>C on transcript NM_000548.5 (MANE Select); coding-DNA position 4463, A replaced by C.
Protein change: p.Asn1488Thr; replaces asparagine 1488 with threonine.
Molecular consequence: missense variant.
Genome position (GRCh38, 1-based): chr16:2,084,685, A>C. VCF-style: chr16-2084685-A-C. GRCh37 (hg19) VCF-style: chr16-2134686-A-C.
Other names: c.4262A>C, p.Asn1421Thr (NM_001077183.3); c.4394A>C, p.Asn1465Thr (NM_001114382.3); c.4154A>C, p.Asn1385Thr (NM_001318827.2); c.4118A>C, p.Asn1373Thr (NM_001318829.2); c.3731A>C, p.Asn1244Thr (NM_001318831.2); c.4295A>C, p.Asn1432Thr (NM_001318832.2); c.4265A>C, p.Asn1422Thr (NM_001363528.2); c.4331A>C, p.Asn1444Thr (NM_001370404.1); and 1 more; short protein forms N1244T, N1373T, N1385T, N1421T, N1422T, N1432T, N1444T, N1445T.
Identifiers: ClinVar variation 1008784 (VCV001008784.11), dbSNP rs999699219, ClinGen allele CA394302469.

ClinVar aggregate classification (germline): Uncertain significance. Review status: criteria provided, multiple submitters, no conflicts (2 of 4 stars). 2 submissions from 2 submitters: Uncertain significance (2). Last evaluated 2024-02-11.

Conditions:
Hereditary cancer-predisposing syndrome. Also called: Hereditary neoplastic syndrome; Neoplastic Syndromes, Hereditary; Tumor predisposition; Hereditary Cancer Syndrome. Identifiers: Orphanet 140162, MedGen C0027672, MeSH D009386, MONDO:0015356.
Tuberous sclerosis 2 (TSC2). Identifiers: Orphanet 805, MedGen C1860707, MONDO:0013199, OMIM 613254.

Submissions (2):

Labcorp Genetics (formerly Invitae), Labcorp
Classification: Uncertain significance for Tuberous sclerosis 2. Last evaluated: 2024-02-11. Review status: criteria provided, single submitter. Criteria: Invitae Variant Classification Sherloc (09022015). Collection method: clinical testing. Allele origin: germline.
Comment: This sequence change replaces asparagine, which is neutral and polar, with threonine, which is neutral and polar, at codon 1488 of the TSC2 protein (p.Asn1488Thr). This variant is not present in population databases (gnomAD no frequency). This variant has not been reported in the literature in individuals affected with TSC2-related conditions. ClinVar contains an entry for this variant (Variation ID: 1008784). Advanced modeling of protein sequence and biophysical properties (such as structural, functional, and spatial information, amino acid conservation, physicochemical variation, residue mobility, and thermodynamic stability) performed at Invitae indicates that this missense variant is not expected to disrupt TSC2 protein function with a negative predictive value of 95%. In summary, the available evidence is currently insufficient to determine the role of this variant in disease. Therefore, it has been classified as a Variant of Uncertain Significance.

Ambry Genetics
Classification: Uncertain significance for Hereditary cancer-predisposing syndrome. Last evaluated: 2021-03-17. Review status: criteria provided, single submitter. Criteria: Ambry Variant Classification Scheme 2023. Collection method: clinical testing. Allele origin: germline.
Comment: The p.N1488T variant (also known as c.4463A>C), located in coding exon 33 of the TSC2 gene, results from an A to C substitution at nucleotide position 4463. The asparagine at codon 1488 is replaced by threonine, an amino acid with similar properties. This amino acid position is not well conserved in available vertebrate species. In addition, the in silico prediction for this alteration is inconclusive. Since supporting evidence is limited at this time, the clinical significance of this alteration remains unclear.